The following is an entry in ClinVar:

ClinVar aggregate classification (germline): Uncertain significance (1 of 4 stars; one submission).

Submission:

CeGaT Center for Human Genetics Tuebingen
Classification: Uncertain significance. Last evaluated: 2022-12-01. Review status: criteria provided, single submitter. Criteria: CeGaT Center For Human Genetics Tuebingen Variant Classification Criteria Version 2. Collection method: clinical testing. Allele origin: germline. Affected: yes. Observed: 1 variant allele.
Comment: XPR1: PM2, PP2

NM_004736.4(XPR1):c.854T>G (p.Leu285Arg)

Gene: XPR1 (xenotropic and polytropic retrovirus receptor 1; plus strand). Cytogenetic location: 1q25.3.
Variant type: single nucleotide variant.
Coding change: c.854T>G on transcript NM_004736.4 (MANE Select); coding-DNA position 854, T replaced by G.
Protein change: p.Leu285Arg; replaces leucine 285 with arginine.
Molecular consequence: missense variant. On other transcripts: non-coding transcript variant (1).
Genome position (GRCh38, 1-based): chr1:180,824,843, T>G. VCF-style: chr1-180824843-T-G. GRCh37 (hg19) VCF-style: chr1-180793979-T-G.
Other names: c.854T>G, p.Leu285Arg (NM_001135669.2, NM_001328662.2); short protein forms L285R.
Identifiers: ClinVar variation 1879104 (VCV001879104.29), dbSNP rs759171975, ClinGen allele CA343839478.